The following is an entry in ClinVar:

NM_001111125.3(IQSEC2):c.3793C>T (p.Gln1265Ter)

Gene: IQSEC2 (IQ motif and Sec7 domain ArfGEF 2; minus strand). Cytogenetic location: Xp11.22.
Variant type: single nucleotide variant.
Coding change: c.3793C>T on transcript NM_001111125.3 (MANE Select); coding-DNA position 3793, C replaced by T.
Protein change: p.Gln1265Ter; replaces glutamine 1265 with a stop codon.
Molecular consequence: nonsense. On other transcripts: 3 prime UTR variant (1).
Genome position (GRCh38, 1-based): chrX:53,234,893, G>A on the plus strand (C>T on the coding strand, the complement: IQSEC2 is on the minus strand). VCF-style: chrX-53234893-G-A. GRCh37 (hg19) VCF-style: chrX-53264075-G-A.
Other names: c.*278C>T (NM_015075.2); short protein forms Q1265*.
Identifiers: ClinVar variation 422479 (VCV000422479.2), dbSNP rs1064795806, ClinGen allele CA16621440.

ClinVar aggregate classification (germline): Likely pathogenic (1 of 4 stars; one submission).

Submission:

GeneDx
Classification: Likely pathogenic. Last evaluated: 2016-10-13. Review status: criteria provided, single submitter. Criteria: GeneDx Variant Classification (06012015). Collection method: clinical testing. Allele origin: germline. Affected: yes.
Comment: A novel Q1265X variant that is likely pathogenic has been identified in the IQSEC2 gene. The Q1265X variant has not been published as a pathogenic variant, nor has it been reported as a benign variant to our knowledge. It was not observed in approximately 2,300 individuals of European and African American ancestry in the NHLBI Exome Sequencing Project, indicating it is not a common benign variant in these populations. The Q1265X nonsense variant in the IQSEC2 gene is predicted to cause loss of normal protein function through protein truncation, as the last 124 amino acids of the IQSEC2 protein are lost. Therefore, this variant is likely pathogenic; however, the possibility that it is benign cannot be excluded.